The following is an entry in ClinVar:

ClinVar aggregate classification (germline): Pathogenic (1 of 4 stars; one submission).

Conditions:
Familial cancer of breast. Also called: BREAST CANCER, FAMILIAL; hereditary breast carcinoma; Hereditary breast cancer. Identifiers: Orphanet 227535, MedGen C0346153, MONDO:0016419, OMIM 114480. Disease mechanism: loss of function.

Submission:

Labcorp Genetics (formerly Invitae), Labcorp
Classification: Pathogenic for Familial cancer of breast. Last evaluated: 2017-02-21. Review status: criteria provided, single submitter. Criteria: Invitae Variant Classification Sherloc (09022015). Collection method: clinical testing. Allele origin: germline.
Comment: For these reasons, this variant has been classified as Pathogenic. While this particular deletion has not been reported in the literature, loss-of-function variants in CHEK2 are known to be pathogenic (PMID: 21876083, 24713400). This variant is an out-of-frame gross deletion of the genomic region encompassing exon 3, intron 3, and the first 8 nucleotides of exon 4 ¬†of the CHEK2 gene (c.320-?_c.452del). This creates a premature translational stop signal and is expected to result in an absent or disrupted protein product.

Literature cited by the submitters: PubMed 21876083; PubMed 24713400.

NC_000022.11:g.(?_28725237)_(28725373_?)del

Gene: CHEK2 (checkpoint kinase 2; minus strand). Cytogenetic location: 22q12.1.
Variant type: Deletion.
Identifiers: ClinVar variation 460680 (VCV000460680.9).